The following is an entry in ClinVar:

NM_001605.3(AARS1):c.1904G>C (p.Arg635Thr)

Gene: AARS1 (alanyl-tRNA synthetase 1; minus strand). Cytogenetic location: 16q22.1.
Variant type: single nucleotide variant.
Coding change: c.1904G>C on transcript NM_001605.3 (MANE Select); coding-DNA position 1904, G replaced by C.
Protein change: p.Arg635Thr; replaces arginine 635 with threonine.
Molecular consequence: missense variant.
Genome position (GRCh38, 1-based): chr16:70,259,068, C>G on the plus strand (G>C on the coding strand, the complement: AARS1 is on the minus strand). VCF-style: chr16-70259068-C-G. GRCh37 (hg19) VCF-style: chr16-70292971-C-G.
Other names: short protein forms R635T.
Identifiers: ClinVar variation 3696372 (VCV003696372.2).

ClinVar aggregate classification (germline): Uncertain significance (1 of 4 stars; one submission).

Conditions:
Charcot-Marie-Tooth disease type 2. Also called: Charcot-Marie-Tooth type 2. Identifiers: Orphanet 64746, MedGen C0270914, MONDO:0018993.

gnomAD v4.1: 1 of 1,614,166 alleles (0.000062%); no homozygotes.

Submission:

Labcorp Genetics (formerly Invitae), Labcorp
Classification: Uncertain significance for Charcot-Marie-Tooth disease type 2. Last evaluated: 2024-10-28. Review status: criteria provided, single submitter. Criteria: Invitae Variant Classification Sherloc (09022015). Collection method: clinical testing. Allele origin: germline.
Comment: This sequence change replaces arginine, which is basic and polar, with threonine, which is neutral and polar, at codon 635 of the AARS protein (p.Arg635Thr). This variant is not present in population databases (gnomAD no frequency). This variant has not been reported in the literature in individuals affected with AARS-related conditions. Invitae Evidence Modeling of protein sequence and biophysical properties (such as structural, functional, and spatial information, amino acid conservation, physicochemical variation, residue mobility, and thermodynamic stability) has been performed for this missense variant. However, the output from this modeling did not meet the statistical confidence thresholds required to predict the impact of this variant on AARS protein function. In summary, the available evidence is currently insufficient to determine the role of this variant in disease. Therefore, it has been classified as a Variant of Uncertain Significance.